The following is an entry in ClinVar:

NM_000391.4(TPP1):c.1007A>G (p.Tyr336Cys)

Gene: TPP1 (tripeptidyl peptidase 1; minus strand). Cytogenetic location: 11p15.4.
Variant type: single nucleotide variant.
Coding change: c.1007A>G on transcript NM_000391.4 (MANE Select); coding-DNA position 1007, A replaced by G.
Protein change: p.Tyr336Cys; replaces tyrosine 336 with cysteine.
Molecular consequence: missense variant.
Genome position (GRCh38, 1-based): chr11:6,616,383, T>C on the plus strand (A>G on the coding strand, the complement: TPP1 is on the minus strand). VCF-style: chr11-6616383-T-C. GRCh37 (hg19) VCF-style: chr11-6637614-T-C.
Other names: short protein forms Y336C.
Identifiers: ClinVar variation 1429933 (VCV001429933.7), dbSNP rs758649621, ClinGen allele CA5858793.
Genomic context (GRCh38, chr11:6,616,383, plus strand): 5'-AAGAGCAGGGTGAGACCCCGAGCGGCAGCCTTCATGAGCTCAGTGTTGACCCGCTGGATG[T>C]AGGCGCTGCTGAGGGAGTCCTCATCATCTCCATAGCTCACAGTATGCACATGTGGCAGGG-3'
Protein context (NP_000382.3, residues 326-346): GDDEDSLSSA[Tyr336Cys]IQRVNTELMK

ClinVar aggregate classification (germline): Conflicting classifications of pathogenicity. Review status: criteria provided, conflicting classifications (1 of 4 stars). 2 submissions from 2 submitters: Pathogenic (1); Uncertain significance (1). Last evaluated 2024-10-18.

Conditions:
TPP1-related disorder. Also called: TPP1-related condition.

Allele frequency attached by ClinVar (database versions not stated): ExAC 0.00004; gnomAD 0.00004 and 0.00005; gnomAD exomes 0.00007.
gnomAD v4.1: 49 of 1,613,888 alleles (0.003%); highest among the groups gnomAD compares: Non-Finnish European, 0.000085%; no homozygotes.

Submissions (2):

Blueprint Genetics
Classification: Pathogenic for TPP1-related disorders. Last evaluated: 2024-10-18. Review status: criteria provided, single submitter. Criteria: ACMG Guidelines, 2015. Collection method: clinical testing. Allele origin: germline. Affected: yes. Observed: 5 variant alleles.

Labcorp Genetics (formerly Invitae), Labcorp
Classification: Uncertain significance. Last evaluated: 2021-12-05. Review status: criteria provided, single submitter. Criteria: Invitae Variant Classification Sherloc (09022015). Collection method: clinical testing. Allele origin: germline.
Comment: This sequence change replaces tyrosine, which is neutral and polar, with cysteine, which is neutral and slightly polar, at codon 336 of the TPP1 protein (p.Tyr336Cys). This variant is present in population databases (rs758649621, gnomAD 0.09%). This variant has not been reported in the literature in individuals affected with TPP1-related conditions. Advanced modeling of protein sequence and biophysical properties (such as structural, functional, and spatial information, amino acid conservation, physicochemical variation, residue mobility, and thermodynamic stability) performed at Invitae indicates that this missense variant is expected to disrupt TPP1 protein function. In summary, the available evidence is currently insufficient to determine the role of this variant in disease. Therefore, it has been classified as a Variant of Uncertain Significance.